The following is an entry in ClinVar:

ClinVar aggregate classification (germline): Likely benign. Review status: criteria provided, multiple submitters, no conflicts (2 of 4 stars). 3 submissions from 3 submitters: Likely benign (3). Last evaluated 2025-02-09.

Conditions:
Primary dilated cardiomyopathy (DCM). Also called: Dilated Cardiomyopathy. Identifiers: Orphanet 217604, MedGen C0007193, MeSH D002311, MONDO:0005021, HP:0001644. Inheritance: Various modes of inheritance.
Cardiomyopathy (CMYO). Also called: Cardiomyopathies. Identifiers: Orphanet 167848, MedGen C0878544, MONDO:0004994, HP:0001638. Inheritance: Various modes of inheritance.
Charcot-Marie-Tooth disease type 2. Also called: Charcot-Marie-Tooth type 2. Identifiers: Orphanet 64746, MedGen C0270914, MONDO:0018993.

gnomAD v4.1: 3 of 1,613,216 alleles (0.00019%); no homozygotes.

Submissions (3):

Labcorp Genetics (formerly Invitae), Labcorp
Classification: Likely benign for Charcot-Marie-Tooth disease type 2. Last evaluated: 2025-02-09. Review status: criteria provided, single submitter. Criteria: Invitae Variant Classification Sherloc (09022015). Collection method: clinical testing. Allele origin: germline.

All of Us Research Program, National Institutes of Health
Classification: Likely benign for Primary dilated cardiomyopathy. Last evaluated: 2023-05-04. Review status: criteria provided, single submitter. Criteria: ACMG Guidelines, 2015. Collection method: clinical testing. Allele origin: germline. Inheritance: Autosomal dominant inheritance. Observed: 1 variant allele, 1 heterozygote.
Comment: This study involves interpretation of variants in research participants for the purpose of population health screening. Participant phenotype was not available at the time of variant classification. Additional details can be found in publication PMID: 35346344, PMCID: PMC8962531

Color Diagnostics, LLC DBA Color Health
Classification: Likely benign for Cardiomyopathy. Last evaluated: 2022-11-06. Review status: criteria provided, single submitter. Criteria: ACMG Guidelines, 2015. Collection method: clinical testing. Allele origin: germline.

NM_170707.4(LMNA):c.306G>A (p.Leu102=)

Gene: LMNA (lamin A/C; plus strand). Cytogenetic location: 1q22.
Variant type: single nucleotide variant.
Coding change: c.306G>A on transcript NM_170707.4 (MANE Select); coding-DNA position 306, G replaced by A.
Protein change: p.Leu102=; no amino-acid change (leucine 102 retained).
Molecular consequence: synonymous variant. On other transcripts: 5 prime UTR variant (8), intron variant (2).
Genome position (GRCh38, 1-based): chr1:156,115,224, G>A. VCF-style: chr1-156115224-G-A. GRCh37 (hg19) VCF-style: chr1-156085015-G-A.
Other names: c.306G>A, p.Leu102= (NM_001282625.2, NM_001282626.2, NM_001406983.1 and 6 more transcripts); c.-118G>A (NM_001406986.1); c.-96G>A (NM_001406990.1, NM_001406995.1, NM_001407002.1); c.-359G>A (NM_001406994.1, NM_001407000.1); c.-539G>A (NM_001406999.1); c.-202G>A (NM_001407001.1); c.-203+8401G>A (NM_001406993.1, NM_001407003.1).
Identifiers: ClinVar variation 3070890 (VCV003070890.4), dbSNP rs2527834337, ClinGen allele CA421257132.
Genomic context (GRCh38, chr1:156,115,224, plus strand): 5'-GGCCGAGCTCGGGGATGCCCGCAAGACCCTTGACTCAGTAGCCAAGGAGCGCGCCCGCCT[G>A]CAGCTGGAGCTGAGCAAAGTGCGTGAGGAGTTTAAGGAGCTGAAAGCGCGGTGAGTTCGC-3'
Protein context (NP_733821.1, residues 92-112): LDSVAKERAR[Leu102=]QLELSKVREE